The following is an entry in ClinVar:

ClinVar aggregate classification (germline): Uncertain significance (1 of 4 stars; one submission).

Submission:

GeneDx
Classification: Uncertain significance. Last evaluated: 2026-05-08. Review status: criteria provided, single submitter. Criteria: GeneDx Variant Classification Process June 2021. Collection method: clinical testing. Allele origin: germline.
Comment: Loss of function variant in a region of the gene where loss-of-function has not been definitively established as a disease mechanism (PMID: 32599522 ); Not observed at significant frequency in large population cohorts (gnomAD); Has not been previously published as pathogenic or benign to our knowledge; This variant is associated with the following publications: (PMID: 32599522)

NM_012309.5(SHANK2):c.1193del (p.Pro398fs)

Gene: SHANK2 (SH3 and multiple ankyrin repeat domains 2; minus strand). Cytogenetic location: 11q13.4.
Variant type: Deletion.
Coding change: c.1193del on transcript NM_012309.5 (MANE Select); coding-DNA position 1193, one base deleted (C; older notation c.1193delC).
Protein change: p.Pro398fs; shifts the reading frame from proline 398.
Molecular consequence: frameshift variant.
Genome position (GRCh38, 1-based): chr11:70,820,664, G deleted on the plus strand (C on the coding strand, the reverse complement: SHANK2 is on the minus strand); the first of 4 consecutive G bases (chr11:70,820,664-70,820,667); deleting any one gives the same sequence. VCF-style (leftmost placement, unchanged base first): chr11-70820663-CG-C. GRCh37 (hg19) VCF-style: chr11-70666768-CG-C.
Other names: c.56del, p.Pro19fs (NM_001379226.1); short protein forms P19fs, P398fs.
Identifiers: ClinVar variation 3906792 (VCV003906792.2).